The following is an entry in ClinVar:

NM_024589.3(ROGDI):c.548C>T (p.Ala183Val)

Gene: ROGDI (rogdi atypical leucine zipper; minus strand). Cytogenetic location: 16p13.3.
Variant type: single nucleotide variant.
Coding change: c.548C>T on transcript NM_024589.3 (MANE Select); coding-DNA position 548, C replaced by T.
Protein change: p.Ala183Val; replaces alanine 183 with valine.
Molecular consequence: missense variant. On other transcripts: non-coding transcript variant (1).
Genome position (GRCh38, 1-based): chr16:4,798,168, G>A on the plus strand (C>T on the coding strand, the complement: ROGDI is on the minus strand). VCF-style: chr16-4798168-G-A. GRCh37 (hg19) VCF-style: chr16-4848169-G-A.
Other names: short protein forms A183V.
Identifiers: ClinVar variation 864810 (VCV000864810.9), dbSNP rs1306134473, ClinGen allele CA394650691.

ClinVar aggregate classification (germline): Uncertain significance (1 of 4 stars; one submission).

Conditions:
Amelocerebrohypohidrotic syndrome (KTZS). Also called: EPILEPSY AND YELLOW TEETH; EPILEPSY, DEMENTIA, AND AMELOGENESIS IMPERFECTA; KOHLSCHUTTER SYNDROME; Kohlschutter's syndrome. Identifiers: Orphanet 1946, MedGen C0406740, MONDO:0009185, OMIM 226750.

Allele frequency attached by ClinVar (database versions not stated): gnomAD exomes below 0.00001.
gnomAD v4.1: 4 of 1,613,818 alleles (0.00025%); highest among the groups gnomAD compares: Non-Finnish European, 0.00034%; no homozygotes.

Submission:

Labcorp Genetics (formerly Invitae), Labcorp
Classification: Uncertain significance for Amelocerebrohypohidrotic syndrome. Last evaluated: 2023-04-05. Review status: criteria provided, single submitter. Criteria: Invitae Variant Classification Sherloc (09022015). Collection method: clinical testing. Allele origin: germline.
Comment: This sequence change replaces alanine, which is neutral and non-polar, with valine, which is neutral and non-polar, at codon 183 of the ROGDI protein (p.Ala183Val). This variant is not present in population databases (gnomAD no frequency). This variant has not been reported in the literature in individuals affected with ROGDI-related conditions. ClinVar contains an entry for this variant (Variation ID: 864810). An algorithm developed to predict the effect of missense changes on protein structure and function (PolyPhen-2) suggests that this variant is likely to be tolerated. In summary, the available evidence is currently insufficient to determine the role of this variant in disease. Therefore, it has been classified as a Variant of Uncertain Significance.